The following is an entry in ClinVar:

NM_000388.4(CASR):c.1297G>T (p.Asp433Tyr)

Gene: CASR (calcium sensing receptor; plus strand). Cytogenetic location: 3q21.1.
Variant type: single nucleotide variant.
Coding change: c.1297G>T on transcript NM_000388.4 (MANE Select); coding-DNA position 1297, G replaced by T.
Protein change: p.Asp433Tyr; replaces aspartic acid 433 with tyrosine.
Molecular consequence: missense variant.
Genome position (GRCh38, 1-based): chr3:122,262,332, G>T. VCF-style: chr3-122262332-G-T. GRCh37 (hg19) VCF-style: chr3-121981179-G-T.
Other names: c.1297G>T, p.Asp433Tyr (NM_001178065.2); short protein forms D433Y.
Identifiers: ClinVar variation 2938085 (VCV002938085.3), dbSNP rs199511990, ClinGen allele CA2569621.
Genomic context (GRCh38, chr3:122,262,332, plus strand): 5'-CATTTACGGATATCCTACAATGTGTACTTAGCAGTCTACTCCATTGCCCACGCCTTGCAA[G>T]ATATATATACCTGCTTACCTGGGAGAGGGCTCTTCACCAATGGCTCCTGTGCAGACATCA-3'
Protein context (NP_000379.3, residues 423-443): AVYSIAHALQ[Asp433Tyr]IYTCLPGRGL

ClinVar aggregate classification (germline): Uncertain significance (1 of 4 stars; one submission).

Conditions:
Familial hypocalciuric hypercalcemia (FHH). Also called: Familial benign hypercalcemia. Identifiers: Orphanet 405, MedGen C1809471, MONDO:0018458.
Autosomal dominant hypocalcemia 1 (HYPOC1). Also called: HYPOCALCEMIA, FAMILIAL. Identifiers: MedGen C3715128, MONDO:0011013, OMIM 601198.

Submission:

Labcorp Genetics (formerly Invitae), Labcorp
Classification: Uncertain significance for Familial hypocalciuric hypercalcemia; Autosomal dominant hypocalcemia 1. Last evaluated: 2023-05-07. Review status: criteria provided, single submitter. Criteria: Invitae Variant Classification Sherloc (09022015). Collection method: clinical testing. Allele origin: germline.
Comment: This sequence change replaces aspartic acid, which is acidic and polar, with tyrosine, which is neutral and polar, at codon 433 of the CASR protein (p.Asp433Tyr). This variant is present in population databases (rs199511990, gnomAD 0.0009%). This missense change has been observed in individual(s) with clinical features of familial hypocalciuric hypercalcaemia. (PMID: 32638038). An algorithm developed to predict the effect of missense changes on protein structure and function (PolyPhen-2) suggests that this variant is likely to be disruptive. Experimental studies are conflicting or provide insufficient evidence to determine the effect of this variant on CASR function (PMID: 32638038). In summary, the available evidence is currently insufficient to determine the role of this variant in disease. Therefore, it has been classified as a Variant of Uncertain Significance.

Literature cited by the submitters: PubMed 32638038.